The following is an entry in ClinVar:

NM_003803.4(MYOM1):c.1065G>A (p.Met355Ile)

Gene: MYOM1 (myomesin 1; minus strand). Cytogenetic location: 18p11.31.
Variant type: single nucleotide variant.
Coding change: c.1065G>A on transcript NM_003803.4 (MANE Select); coding-DNA position 1065, G replaced by A.
Protein change: p.Met355Ile; replaces methionine 355 with isoleucine.
Molecular consequence: missense variant.
Genome position (GRCh38, 1-based): chr18:3,174,166, C>T on the plus strand (G>A on the coding strand, the complement: MYOM1 is on the minus strand). VCF-style: chr18-3174166-C-T. GRCh37 (hg19) VCF-style: chr18-3174164-C-T.
Other names: c.1065G>A, p.Met355Ile (NM_019856.2); short protein forms M355I.
Identifiers: ClinVar variation 4761332 (VCV004761332.1).

ClinVar aggregate classification (germline): Uncertain significance (1 of 4 stars; one submission).

Conditions:
Hypertrophic cardiomyopathy. Also called: HYPERTROPHIC MYOCARDIOPATHY. Identifiers: Orphanet 217569, MedGen C0007194, MeSH D002312, MONDO:0005045, HP:0001639.

Submission:

Labcorp Genetics (formerly Invitae), Labcorp
Classification: Uncertain significance for Hypertrophic cardiomyopathy. Last evaluated: 2026-01-27. Review status: criteria provided, single submitter. Criteria: Invitae Variant Classification Sherloc (09022015). Collection method: clinical testing. Allele origin: germline.
Comment: This sequence change replaces methionine, which is neutral and non-polar, with isoleucine, which is neutral and non-polar, at codon 355 of the MYOM1 protein (p.Met355Ile). This variant is not present in population databases (gnomAD no frequency). This variant has not been reported in the literature in individuals affected with MYOM1-related conditions. Invitae Evidence Modeling of protein sequence and biophysical properties (such as structural, functional, and spatial information, amino acid conservation, physicochemical variation, residue mobility, and thermodynamic stability) has been performed for this missense variant. However, the output from this modeling did not meet the statistical confidence thresholds required to predict the impact of this variant on MYOM1 protein function. In summary, the available evidence is currently insufficient to determine the role of this variant in disease. Therefore, it has been classified as a Variant of Uncertain Significance.